The following is an entry in ClinVar:

ClinVar aggregate classification (germline): Uncertain significance (1 of 4 stars; one submission).

Conditions:
Multiple endocrine neoplasia type 4. Also called: MULTIPLE ENDOCRINE NEOPLASIA, TYPE IV. Identifiers: Orphanet 276152, MedGen C1970712, MONDO:0012552, OMIM 610755.

Submission:

Labcorp Genetics (formerly Invitae), Labcorp
Classification: Uncertain significance for Multiple endocrine neoplasia type 4. Last evaluated: 2022-08-31. Review status: criteria provided, single submitter. Criteria: Invitae Variant Classification Sherloc (09022015). Collection method: clinical testing. Allele origin: germline.
Comment: In summary, the available evidence is currently insufficient to determine the role of this variant in disease. Therefore, it has been classified as a Variant of Uncertain Significance. Algorithms developed to predict the effect of missense changes on protein structure and function are either unavailable or do not agree on the potential impact of this missense change (SIFT: "Deleterious"; PolyPhen-2: "Probably Damaging"; Align-GVGD: "Class C15"). This variant has not been reported in the literature in individuals affected with CDKN1B-related conditions. This variant is not present in population databases (gnomAD no frequency). This sequence change replaces phenylalanine, which is neutral and non-polar, with leucine, which is neutral and non-polar, at codon 87 of the CDKN1B protein (p.Phe87Leu).

NM_004064.5(CDKN1B):c.261C>A (p.Phe87Leu)

Gene: CDKN1B (cyclin dependent kinase inhibitor 1B; plus strand). Cytogenetic location: 12p13.1.
Variant type: single nucleotide variant.
Coding change: c.261C>A on transcript NM_004064.5 (MANE Select); coding-DNA position 261, C replaced by A.
Protein change: p.Phe87Leu; replaces phenylalanine 87 with leucine.
Molecular consequence: missense variant.
Genome position (GRCh38, 1-based): chr12:12,718,100, C>A. VCF-style: chr12-12718100-C-A. GRCh37 (hg19) VCF-style: chr12-12871034-C-A.
Other names: short protein forms F87L.
Identifiers: ClinVar variation 1718483 (VCV001718483.5), dbSNP rs368696530, ClinGen allele CA383969854.
Genomic context (GRCh38, chr12:12,718,100, plus strand): 5'-CAAACCCCTAGAGGGCAAGTACGAGTGGCAAGAGGTGGAGAAGGGCAGCTTGCCCGAGTT[C>A]TACTACAGACCCCCGCGGCCCCCCAAAGGTGCCTGCAAGGTGCCGGCGCAGGAGAGCCAG-3'
Protein context (NP_004055.1, residues 77-97): QEVEKGSLPE[Phe87Leu]YYRPPRPPKG